The following is an entry in ClinVar:

ClinVar aggregate classification (germline): Uncertain significance (1 of 4 stars; one submission).

Conditions:
Autosomal dominant limb-girdle muscular dystrophy type 1F (LGMDD2). Also called: Limb-girdle muscular dystrophy, type 1F; MUSCULAR DYSTROPHY, LIMB-GIRDLE, AUTOSOMAL DOMINANT 2. Identifiers: Orphanet 55595, MedGen C1842062, MONDO:0012034, OMIM 608423.

Submission:

Labcorp Genetics (formerly Invitae), Labcorp
Classification: Uncertain significance for Autosomal dominant limb-girdle muscular dystrophy type 1F. Last evaluated: 2022-04-08. Review status: criteria provided, single submitter. Criteria: Invitae Variant Classification Sherloc (09022015). Collection method: clinical testing. Allele origin: germline.
Comment: This sequence change affects an acceptor splice site in intron 7 of the TNPO3 gene. It is expected to disrupt RNA splicing. Variants that disrupt the donor or acceptor splice site typically lead to a loss of protein function (PMID: 16199547), however the current clinical and genetic evidence is not sufficient to establish whether loss-of-function variants in TNPO3 cause disease. This variant is not present in population databases (gnomAD no frequency). This variant has not been reported in the literature in individuals affected with TNPO3-related conditions. Algorithms developed to predict the effect of sequence changes on RNA splicing suggest that this variant may disrupt the consensus splice site. In summary, the available evidence is currently insufficient to determine the role of this variant in disease. Therefore, it has been classified as a Variant of Uncertain Significance.

Literature cited by the submitters: PubMed 16199547.

NM_012470.4(TNPO3):c.1012-2A>G

Gene: TNPO3 (transportin 3; minus strand). Cytogenetic location: 7q32.1.
Variant type: single nucleotide variant.
Coding change: c.1012-2A>G on transcript NM_012470.4 (MANE Select); the canonical splice acceptor site of the intron before coding-DNA position 1012, A replaced by G.
Molecular consequence: splice acceptor variant. On other transcripts: intron variant (1).
Genome position (GRCh38, 1-based): chr7:128,997,537, T>C on the plus strand (A>G on the coding strand, the complement: TNPO3 is on the minus strand). VCF-style: chr7-128997537-T-C. GRCh37 (hg19) VCF-style: chr7-128637591-T-C.
Other names: c.868-2A>G (NM_001382221.1); c.1011+2892A>G (NM_001382222.1); c.1012-2A>G (NM_001382219.1, NM_001382223.1, NM_001191028.3 and 3 more transcripts); c.1093-2A>G (NM_001382217.1).
Identifiers: ClinVar variation 2123250 (VCV002123250.4), dbSNP rs2536211790, ClinGen allele CA369236120.